The following is an entry in ClinVar:

NM_001330691.3(CEP78):c.1316A>T (p.Asp439Val)

Gene: CEP78 (centrosomal protein 78; plus strand). Cytogenetic location: 9q21.2.
Variant type: single nucleotide variant.
Coding change: c.1316A>T on transcript NM_001330691.3 (MANE Select); coding-DNA position 1316, A replaced by T.
Protein change: p.Asp439Val; replaces aspartic acid 439 with valine.
Molecular consequence: missense variant.
Genome position (GRCh38, 1-based): chr9:78,254,900, A>T. VCF-style: chr9-78254900-A-T. GRCh37 (hg19) VCF-style: chr9-80869816-A-T.
Other names: c.1319A>T, p.Asp440Val (NM_001098802.3, NM_001349839.2, NM_001349840.2 and 1 more transcripts); c.1316A>T, p.Asp439Val (NM_001330693.3, NM_001330694.2, NM_001349838.2); short protein forms D439V, D440V.
Identifiers: ClinVar variation 1000067 (VCV001000067.9), dbSNP rs1826943698, ClinGen allele CA373860864.

ClinVar aggregate classification (germline): Uncertain significance (1 of 4 stars; one submission).

Submission:

Labcorp Genetics (formerly Invitae), Labcorp
Classification: Uncertain significance. Last evaluated: 2020-02-22. Review status: criteria provided, single submitter. Criteria: Invitae Variant Classification Sherloc (09022015). Collection method: clinical testing. Allele origin: germline.
Comment: This variant is not present in population databases (ExAC no frequency). This variant has not been reported in the literature in individuals with CEP78-related conditions. Algorithms developed to predict the effect of missense changes on protein structure and function are either unavailable or do not agree on the potential impact of this missense change (SIFT: "Deleterious"; PolyPhen-2: "Possibly Damaging"; Align-GVGD: "Class C0"). In summary, the available evidence is currently insufficient to determine the role of this variant in disease. Therefore, it has been classified as a Variant of Uncertain Significance. This sequence change replaces aspartic acid with valine at codon 440 of the CEP78 protein (p.Asp440Val). The aspartic acid residue is weakly conserved and there is a large physicochemical difference between aspartic acid and valine.